The following is an entry in ClinVar:

NM_000059.4(BRCA2):c.7147T>C (p.Tyr2383His)

Gene: BRCA2 (BRCA2 DNA repair associated; plus strand). Cytogenetic location: 13q13.1.
Variant type: single nucleotide variant.
Coding change: c.7147T>C on transcript NM_000059.4 (MANE Select); coding-DNA position 7147, T replaced by C.
Protein change: p.Tyr2383His; replaces tyrosine 2383 with histidine.
Molecular consequence: missense variant.
Genome position (GRCh38, 1-based): chr13:32,355,000, T>C. VCF-style: chr13-32355000-T-C. GRCh37 (hg19) VCF-style: chr13-32929137-T-C.
Other names: short protein forms Y2383H.
Identifiers: ClinVar variation 441398 (VCV000441398.16), dbSNP rs1450006002, ClinGen allele CA387739083.

ClinVar aggregate classification (germline): Uncertain significance. Review status: criteria provided, multiple submitters, no conflicts (2 of 4 stars). 3 submissions from 3 submitters: Uncertain significance (3). Last evaluated 2020-11-09.

Conditions:
Hereditary cancer-predisposing syndrome. Also called: Hereditary Cancer Syndrome; Hereditary neoplastic syndrome; Neoplastic Syndromes, Hereditary; Tumor predisposition. Identifiers: Orphanet 140162, MedGen C0027672, MeSH D009386, MONDO:0015356.
Hereditary breast ovarian cancer syndrome. Also called: Hereditary breast and ovarian cancer; Breast and ovarian cancer; Hereditary breast and ovarian cancer syndrome; Hereditary breast and/or ovarian cancer syndrome; BRCA1- and BRCA2-Associated Hereditary Breast and Ovarian Cancer; Hereditary breast and ovarian cancer syndrome (HBOC). Identifiers: Orphanet 145, MedGen C0677776, MeSH D061325, MONDO:0003582. Disease mechanism: loss of function.

Allele frequency attached by ClinVar (database versions not stated): gnomAD exomes below 0.00001; TOPMed below 0.00001.

Submissions (3):

GeneDx
Classification: Uncertain significance. Last evaluated: 2020-11-09. Review status: criteria provided, single submitter. Criteria: GeneDx Variant Classification Process June 2021. Collection method: clinical testing. Allele origin: germline. Affected: yes.
Comment: Not observed in large population cohorts (Lek et al., 2016); In silico analysis supports that this missense variant does not alter protein structure/function; Has not been previously published as pathogenic or benign to our knowledge; Also known as 7375T>C

Labcorp Genetics (formerly Invitae), Labcorp
Classification: Uncertain significance for Hereditary breast ovarian cancer syndrome. Last evaluated: 2019-01-24. Review status: criteria provided, single submitter. Criteria: Invitae Variant Classification Sherloc (09022015). Collection method: clinical testing. Allele origin: germline.
Comment: In summary, the available evidence is currently insufficient to determine the role of this variant in disease. Therefore, it has been classified as a Variant of Uncertain Significance. Algorithms developed to predict the effect of missense changes on protein structure and function output the following: SIFT: "Tolerated"; PolyPhen-2: "Possibly Damaging"; Align-GVGD: "Class C0". The histidine amino acid residue is found in multiple mammalian species, suggesting that this missense change does not adversely affect protein function. These predictions have not been confirmed by published functional studies and their clinical significance is uncertain. This variant has not been reported in the literature in individuals with BRCA2-related conditions. ClinVar contains an entry for this variant (Variation ID: 441398). This variant is not present in population databases (ExAC no frequency). This sequence change replaces tyrosine with histidine at codon 2383 of the BRCA2 protein (p.Tyr2383His). The tyrosine residue is weakly conserved and there is a moderate physicochemical difference between tyrosine and histidine.

Ambry Genetics
Classification: Uncertain significance for Hereditary cancer-predisposing syndrome. Last evaluated: 2016-02-18. Review status: criteria provided, single submitter. Criteria: Ambry Variant Classification Scheme 2023. Collection method: clinical testing. Allele origin: germline.
Comment: The p.Y2383H variant (also known as c.7147T>C), located in coding exon 13 of the BRCA2 gene, results from a T to C substitution at nucleotide position 7147. The tyrosine at codon 2383 is replaced by histidine, an amino acid with similar properties. This variant was not reported in population based cohorts in the following databases: Database of Single Nucleotide Polymorphisms (dbSNP), NHLBI Exome Sequencing Project (ESP), and 1000 Genomes Project. In the ESP, this variant was not observed in 6503 samples (13006 alleles) with coverage at this position. To date, this alteration has been detected with an allele frequency of approximately 0.0004% (greater than 225000 alleles tested) in our clinical cohort. This amino acid position is poorly conserved in available vertebrate species. In addition, this alteration is predicted to be tolerated by in silico analysis. Since supporting evidence is limited at this time, the clinical significance of this alteration remains unclear.